The following is an entry in ClinVar:

NM_001134363.3(RBM20):c.1139G>A (p.Arg380Gln)

Gene: RBM20 (RNA binding motif protein 20; plus strand). Cytogenetic location: 10q25.2.
Variant type: single nucleotide variant.
Coding change: c.1139G>A on transcript NM_001134363.3 (MANE Select); coding-DNA position 1139, G replaced by A.
Protein change: p.Arg380Gln; replaces arginine 380 with glutamine.
Molecular consequence: missense variant.
Genome position (GRCh38, 1-based): chr10:110,781,748, G>A. VCF-style: chr10-110781748-G-A. GRCh37 (hg19) VCF-style: chr10-112541506-G-A.
Other names: short protein forms R380Q.
Identifiers: ClinVar variation 538023 (VCV000538023.17), dbSNP rs777080028, ClinGen allele CA5688559.

ClinVar aggregate classification (germline): Conflicting classifications of pathogenicity. Review status: criteria provided, conflicting classifications (1 of 4 stars). 5 submissions from 5 submitters: Uncertain significance (4); Likely benign (1). Last evaluated 2025-12-13.

Conditions:
Cardiovascular phenotype. Identifiers: MedGen CN230736.
Dilated cardiomyopathy 1DD (CMD1DD). Identifiers: Orphanet 154, MedGen C2750995, MONDO:0013168, OMIM 613172.

Allele frequency attached by ClinVar (database versions not stated): gnomAD 0.00001 and 0.00003; gnomAD exomes 0.00002 and 0.00003; ExAC 0.00005; TOPMed 0.00006.
gnomAD v4.1: 43 of 1,551,842 alleles (0.0028%); highest among the groups gnomAD compares: Middle Eastern, 0.033%; 1 homozygote.

Submissions (5):

Labcorp Genetics (formerly Invitae), Labcorp
Classification: Likely benign for Dilated cardiomyopathy 1DD. Last evaluated: 2025-12-13. Review status: criteria provided, single submitter. Criteria: Invitae Variant Classification Sherloc (09022015). Collection method: clinical testing. Allele origin: germline.

Ambry Genetics
Classification: Uncertain significance for Cardiovascular phenotype. Last evaluated: 2023-05-01. Review status: criteria provided, single submitter. Criteria: Ambry Variant Classification Scheme 2023. Collection method: clinical testing. Allele origin: germline.
Comment: The p.R380Q variant (also known as c.1139G>A), located in coding exon 2 of the RBM20 gene, results from a G to A substitution at nucleotide position 1139. The arginine at codon 380 is replaced by glutamine, an amino acid with highly similar properties. This alteration was reported in a family with dilated cardiomyopathy (DCM), who also had variants in other cardiac-related genes (Zhang SB et al. Ann Hum Genet, 2019 03;83:95-99). This amino acid position is not well conserved in available vertebrate species, and glutamine is the reference amino acid in other vertebrate species. In addition, this alteration is predicted to be tolerated by in silico analysis. Since supporting evidence is limited at this time, the clinical significance of this alteration remains unclear.

GeneDx
Classification: Uncertain significance. Last evaluated: 2022-02-14. Review status: criteria provided, single submitter. Criteria: GeneDx Variant Classification Process June 2021. Collection method: clinical testing. Allele origin: germline. Affected: yes.
Comment: Reported with additional cardiogenetic variants in both affected and unaffected family members in a Chinese family with dilated cardiomyopathy (Zhang et al., 2019); Not observed at significant frequency in large population cohorts (gnomAD); In silico analysis supports that this missense variant does not alter protein structure/function; This variant is associated with the following publications: (PMID: 30276801)

Illumina Laboratory Services, Illumina
Classification: Uncertain significance for Dilated cardiomyopathy 1DD. Last evaluated: 2018-01-12. Review status: criteria provided, single submitter. Criteria: ICSL Variant Classification Criteria 13 December 2019. Collection method: clinical testing. Allele origin: germline.

Breakthrough Genomics
Classification: Uncertain significance. Review status: criteria provided, single submitter. Criteria: ACMG Guidelines, 2015. Collection method: not provided. Allele origin: germline. Inheritance: Autosomal dominant inheritance. Affected: yes.

Literature cited by the submitters: PubMed 30276801 (cited by Ambry Genetics); PubMed 30993396 (cited by Ambry Genetics).